The following is an entry in ClinVar:

ClinVar aggregate classification (germline): Pathogenic. Review status: criteria provided, multiple submitters, no conflicts (2 of 4 stars). 2 submissions from 2 submitters: Pathogenic (2). Last evaluated 2023-09-14.

Conditions:
Hereditary spherocytosis type 1. Also called: Spherocytosis type 1; ANK1-Related Spherocytosis. Identifiers: Orphanet 822, MedGen C2674218, MONDO:0008447, OMIM 182900.

Submissions (2):

Revvity Omics, Revvity
Classification: Pathogenic for Hereditary spherocytosis type 1. Last evaluated: 2023-09-14. Review status: criteria provided, single submitter. Criteria: ACMG Guidelines, 2015. Collection method: clinical testing. Allele origin: germline.

Juno Genomics, Hangzhou Juno Genomics, Inc
Classification: Pathogenic for Hereditary spherocytosis type 1. Review status: criteria provided, single submitter. Criteria: ACMG Guidelines, 2015. Collection method: clinical testing. Allele origin: germline. Affected: yes.
Comment: Null variant in a gene where loss of function (LOF) is a known mechanism of disease.;Absent from controls (or at extremely low frequency if recessive) in Genome Aggregation Database, Exome Sequencing Project, 1000 Genomes Project, or Exome Aggregation Consortium.;The prevalence of the variant in affected individuals is significantly increased compared to the prevalence in controls.

NM_000037.4(ANK1):c.4253G>A (p.Trp1418Ter)

Gene: ANK1 (ankyrin 1; minus strand). Cytogenetic location: 8p11.21.
Variant type: single nucleotide variant.
Coding change: c.4253G>A on transcript NM_000037.4 (MANE Select); coding-DNA position 4253, G replaced by A.
Protein change: p.Trp1418Ter; replaces tryptophan 1418 with a stop codon.
Molecular consequence: nonsense.
Genome position (GRCh38, 1-based): chr8:41,688,161, C>T on the plus strand (G>A on the coding strand, the complement: ANK1 is on the minus strand). VCF-style: chr8-41688161-C-T. GRCh37 (hg19) VCF-style: chr8-41545679-C-T.
Other names: c.4253G>A, p.Trp1418Ter (NM_020477.3, NM_020475.3, NM_020476.3); c.4376G>A, p.Trp1459Ter (NM_001142446.2); short protein forms W1418*, W1459*.
Identifiers: ClinVar variation 3383078 (VCV003383078.3).